The following is an entry in ClinVar:

NM_001023.4(RPS20):c.178-7G>T

Gene: RPS20 (ribosomal protein S20; minus strand). Cytogenetic location: 8q12.1.
Variant type: single nucleotide variant.
Coding change: c.178-7G>T on transcript NM_001023.4 (MANE Select); 7 bases into the intron before coding-DNA position 178, G replaced by T.
Molecular consequence: intron variant.
Genome position (GRCh38, 1-based): chr8:56,073,279, C>A on the plus strand (G>T on the coding strand, the complement: RPS20 is on the minus strand). VCF-style: chr8-56073279-C-A. GRCh37 (hg19) VCF-style: chr8-56985838-C-A.
Other names: c.178-7G>T (NM_001146227.3).
Identifiers: ClinVar variation 728870 (VCV000728870.9), dbSNP rs1468759548, ClinGen allele CA581957217.

ClinVar aggregate classification (germline): Likely benign. Review status: criteria provided, multiple submitters, no conflicts (2 of 4 stars). 2 submissions from 2 submitters: Likely benign (2). Last evaluated 2026-07-31.

Conditions:
Familial colorectal cancer type X. Identifiers: Orphanet 440437, MedGen C3896578, MONDO:0018604.

Allele frequency attached by ClinVar (database versions not stated): gnomAD exomes 0.00001 and below 0.00001; TOPMed 0.00004; gnomAD 0.00002.
gnomAD v4.1: 10 of 1,572,622 alleles (0.00064%); highest among the groups gnomAD compares: African/African-American, 0.012%; no homozygotes.

Submissions (2):

Myriad Genetics, Inc.
Classification: Likely benign for Familial colorectal cancer type X. Last evaluated: 2026-07-31. Review status: criteria provided, single submitter. Criteria: Myriad Autosomal Dominant, Autosomal Recessive and X-Linked Classification Criteria (2023). Collection method: clinical testing. Allele origin: unknown.
Comment: This variant is considered likely benign. This variant is intronic and is not expected to impact mRNA splicing.

Labcorp Genetics (formerly Invitae), Labcorp
Classification: Likely benign. Last evaluated: 2022-11-01. Review status: criteria provided, single submitter. Criteria: Invitae Variant Classification Sherloc (09022015). Collection method: clinical testing. Allele origin: germline.